The following is an entry in ClinVar:

ClinVar aggregate classification (germline): Conflicting classifications of pathogenicity. Review status: criteria provided, conflicting classifications (1 of 4 stars). 2 submissions from 2 submitters: Likely pathogenic (1); Uncertain significance (1). Last evaluated 2024-10-09.

Conditions:
Mitochondrial complex I deficiency, nuclear type 3. Also called: Mitochondrial complex 1 deficiency, nuclear type 3. Identifiers: MedGen C4748752, MONDO:0032608, OMIM 618224.
Inborn genetic diseases. Identifiers: MedGen C0950123, MeSH D030342.

gnomAD v4.1: 45 of 1,610,780 alleles (0.0028%); highest among the groups gnomAD compares: Non-Finnish European, 0.0038%; no homozygotes.

Submissions (2):

Victorian Clinical Genetics Services, Murdoch Childrens Research Institute
Classification: Likely pathogenic for Mitochondrial complex I deficiency, nuclear type 3. Last evaluated: 2024-10-09. Review status: criteria provided, single submitter. Criteria: ACMG Guidelines, 2015. Collection method: clinical testing. Allele origin: germline. Inheritance: Autosomal recessive inheritance. Affected: yes.
Comment: Based on the classification scheme VCGS_Germline_v1.3.4, this variant is classified as Likely Pathogenic. Following criteria are met: 0102 - Loss of function is a known mechanism of disease in this gene and is associated with mitochondrial complex I deficiency, nuclear type 3 (MIM# 618224). (I) 0106 - This gene is associated with autosomal recessive disease. (I) 0200 - Variant is predicted to result in a missense amino acid change from leucine to valine. (I) 0251 - This variant is heterozygous. (I) 0304 - Variant is present in gnomAD <0.01 for a recessive condition (v2: 3 heterozygotes, 0 homozygotes). (SP) 0502 - Missense variant with conflicting in silico predictions and uninformative conservation. (I) 0600 - Variant is located in the annotated NADH-quinone oxidoreductase domain (NCBI). (I) 0705 - No comparable missense variants have previous evidence for pathogenicity. (I) 0809 - Previous evidence of pathogenicity for this variant is inconclusive. This variant has been classified as a VUS in ClinVar. (I) 0903 - Low evidence for segregation with disease. (I) 1006 - Research laboratory assay shows abnormal function of product not specific to the gene. Patient samples demonstrated both defective Complex I protein expression and enzymatic activities (MCRI Brain and Mitochondrial Laboratory). (SP) 1102 - Strong phenotype match for this individual. (SP) 1201 - Heterozygous variant detected in trans with a second likely pathogenic heterozygous variant (NM_024407.4:c.304G>A; p.(Asp102Asn) in a recessive disease. (I) Legend: (SP) - Supporting pathogenic, (I) - Information, (SB) - Supporting benign

Ambry Genetics
Classification: Uncertain significance for Inborn genetic diseases. Last evaluated: 2022-11-18. Review status: criteria provided, single submitter. Criteria: Ambry Variant Classification Scheme 2023. Collection method: clinical testing. Allele origin: germline.

NM_024407.5(NDUFS7):c.256C>G (p.Leu86Val)

Gene: NDUFS7 (NADH:ubiquinone oxidoreductase core subunit S7; plus strand). Cytogenetic location: 19p13.3.
Variant type: single nucleotide variant.
Coding change: c.256C>G on transcript NM_024407.5 (MANE Select); coding-DNA position 256, C replaced by G.
Protein change: p.Leu86Val; replaces leucine 86 with valine.
Molecular consequence: missense variant.
Genome position (GRCh38, 1-based): chr19:1,390,898, C>G. VCF-style: chr19-1390898-C-G. GRCh37 (hg19) VCF-style: chr19-1390897-C-G.
Other names: c.256C>G, p.Leu86Val (NM_001363602.2); short protein forms L86V.
Identifiers: ClinVar variation 1806251 (VCV001806251.5), dbSNP rs758518373, ClinGen allele CA9043323.